The following is an entry in ClinVar:

ClinVar aggregate classification (germline): Uncertain significance (1 of 4 stars; one submission).

Conditions:
Hereditary cancer-predisposing syndrome. Also called: Hereditary neoplastic syndrome; Neoplastic Syndromes, Hereditary; Tumor predisposition; Hereditary Cancer Syndrome. Identifiers: Orphanet 140162, MedGen C0027672, MeSH D009386, MONDO:0015356.

Submission:

Ambry Genetics
Classification: Uncertain significance for Hereditary cancer-predisposing syndrome. Last evaluated: 2025-06-22. Review status: criteria provided, single submitter. Criteria: Ambry Variant Classification Scheme 2023. Collection method: clinical testing. Allele origin: germline.
Comment: The p.T434A variant (also known as c.1300A>G), located in coding exon 10 of the NBN gene, results from an A to G substitution at nucleotide position 1300. The threonine at codon 434 is replaced by alanine, an amino acid with similar properties. This amino acid position is conserved. In addition, this alteration is predicted to be tolerated by in silico analysis. Based on the available evidence, the clinical significance of this variant remains unclear.

NM_002485.5(NBN):c.1300A>G (p.Thr434Ala)

Gene: NBN (nibrin; minus strand). Cytogenetic location: 8q21.3.
Variant type: single nucleotide variant.
Coding change: c.1300A>G on transcript NM_002485.5 (MANE Select); coding-DNA position 1300, A replaced by G.
Protein change: p.Thr434Ala; replaces threonine 434 with alanine.
Molecular consequence: missense variant.
Genome position (GRCh38, 1-based): chr8:89,955,380, T>C on the plus strand (A>G on the coding strand, the complement: NBN is on the minus strand). VCF-style: chr8-89955380-T-C. GRCh37 (hg19) VCF-style: chr8-90967608-T-C.
Other names: c.1054A>G, p.Thr352Ala (NM_001024688.3, NM_001440379.1, NM_001440380.1); short protein forms T434A, T352A.
Identifiers: ClinVar variation 4117262 (VCV004117262.1).